The following is an entry in ClinVar:

ClinVar aggregate classification (germline): Likely benign (1 of 4 stars; one submission).

Allele frequency attached by ClinVar (database versions not stated): TOPMed below 0.00001; gnomAD 0.00001; gnomAD exomes 0.00001.
gnomAD v4.1: 2 of 254,278 alleles (0.00079%); highest among the groups gnomAD compares: African/African-American, 0.0045%; no homozygotes.

Submission:

GeneDx
Classification: Likely benign. Last evaluated: 2017-10-31. Review status: criteria provided, single submitter. Criteria: GeneDx Variant Classification (06012015). Collection method: clinical testing. Allele origin: germline. Affected: yes.
Comment: This variant is considered likely benign or benign based on one or more of the following criteria: it is a conservative change, it occurs at a poorly conserved position in the protein, it is predicted to be benign by multiple in silico algorithms, and/or has population frequency not consistent with disease.

NM_000075.4(CDK4):c.-32G>T

Gene: CDK4 (cyclin dependent kinase 4; minus strand). Cytogenetic location: 12q14.1.
Variant type: single nucleotide variant.
Coding change: c.-32G>T on transcript NM_000075.4 (MANE Select); 32 bases upstream of the start codon, G replaced by T.
Molecular consequence: 5 prime UTR variant.
Genome position (GRCh38, 1-based): chr12:57,752,187, C>A on the plus strand (G>T on the coding strand, the complement: CDK4 is on the minus strand). VCF-style: chr12-57752187-C-A. GRCh37 (hg19) VCF-style: chr12-58145970-C-A.
Other names: c.-32G>T (LRG_490t1).
Identifiers: ClinVar variation 513066 (VCV000513066.1), dbSNP rs1371795570, ClinGen allele CA658797927.